The following is an entry in ClinVar:

NM_015015.3(KDM4B):c.2552A>C (p.Lys851Thr)

Gene: KDM4B (lysine demethylase 4B; plus strand). Cytogenetic location: 19p13.3.
Variant type: single nucleotide variant.
Coding change: c.2552A>C on transcript NM_015015.3 (MANE Select); coding-DNA position 2552, A replaced by C.
Protein change: p.Lys851Thr; replaces lysine 851 with threonine.
Molecular consequence: missense variant.
Genome position (GRCh38, 1-based): chr19:5,143,968, A>C. VCF-style: chr19-5143968-A-C. GRCh37 (hg19) VCF-style: chr19-5143979-A-C.
Other names: c.2654A>C, p.Lys885Thr (NM_001411148.1); short protein forms K851T, K885T.
Identifiers: ClinVar variation 4527867 (VCV004527867.1).
Genomic context (GRCh38, chr19:5,143,968, plus strand): 5'-GTTCCAGGGTCCCTAGGGAAGCTCGAGCCCCATGCCCCTGCCTGTGTCCCCATCCCCAGA[A>C]ATGCGTGTACTGCCGGAAGCGGATGAAGAAGGTGTCAGGTGCCTGTATCCAGTGCTCCTA-3'
Protein context (NP_055830.1, residues 841-861): SAIPEQRWKL[Lys851Thr]CVYCRKRMKK

ClinVar aggregate classification (germline): Uncertain significance (1 of 4 stars; one submission).

Submission:

GeneDx
Classification: Uncertain significance. Last evaluated: 2025-05-01. Review status: criteria provided, single submitter. Criteria: GeneDx Variant Classification Process June 2021. Collection method: clinical testing. Allele origin: germline. Affected: yes.
Comment: Not observed at significant frequency in large population cohorts (gnomAD); In silico analysis supports that this missense variant has a deleterious effect on protein structure/function; Has not been previously published as pathogenic or benign to our knowledge